The following is an entry in ClinVar:

ClinVar aggregate classification (germline): Uncertain significance. Review status: criteria provided, multiple submitters, no conflicts (2 of 4 stars). 2 submissions from 2 submitters: Uncertain significance (2). Last evaluated 2026-02-03.

Conditions:
Bethlem myopathy 2 (BTHLM2). Identifiers: Orphanet 536516, Orphanet 610, MedGen C4225313, MONDO:0034022, OMIM 616471.
Ullrich congenital muscular dystrophy 2 (UCMD2). Identifiers: Orphanet 75840, MedGen C4225314, MONDO:0014654, OMIM 616470.

Allele frequency attached by ClinVar (database versions not stated): TOPMed 0.00001; gnomAD 0.00002.
gnomAD v4.1: 65 of 1,614,034 alleles (0.004%); highest among the groups gnomAD compares: South Asian, 0.066%; no homozygotes.

Submissions (2):

Labcorp Genetics (formerly Invitae), Labcorp
Classification: Uncertain significance for Bethlem myopathy 2; Ullrich congenital muscular dystrophy 2. Last evaluated: 2026-02-03. Review status: criteria provided, single submitter. Criteria: Invitae Variant Classification Sherloc (09022015). Collection method: clinical testing. Allele origin: germline.
Comment: This sequence change replaces glutamic acid, which is acidic and polar, with aspartic acid, which is acidic and polar, at codon 593 of the COL12A1 protein (p.Glu593Asp). This variant is present in population databases (rs776736301, gnomAD 0.07%). This variant has not been reported in the literature in individuals affected with COL12A1-related conditions. ClinVar contains an entry for this variant (Variation ID: 2950912). Invitae Evidence Modeling of protein sequence and biophysical properties (such as structural, functional, and spatial information, amino acid conservation, physicochemical variation, residue mobility, and thermodynamic stability) indicates that this missense variant is not expected to disrupt COL12A1 protein function with a negative predictive value of 80%. In summary, the available evidence is currently insufficient to determine the role of this variant in disease. Therefore, it has been classified as a Variant of Uncertain Significance.

Women's Health and Genetics/Laboratory Corporation of America, LabCorp
Classification: Uncertain significance. Last evaluated: 2026-02-02. Review status: criteria provided, single submitter. Criteria: LabCorp Variant Classification Summary - May 2015. Collection method: clinical testing. Allele origin: germline.
Comment: Variant summary: COL12A1 c.1779G>C (p.Glu593Asp) results in a conservative amino acid change in the encoded protein sequence. Algorithms developed to predict the effect of missense changes on protein structure and function are either unavailable or do not agree on the potential impact of this missense change. The variant allele was found at a frequency of 8.4e-05 in 249334 control chromosomes. This frequency is not significantly higher than estimated for disease-causing variants in COL12A1, allowing no conclusion about variant significance. To our knowledge, no occurrence of c.1779G>C in individuals affected with COL12A1-related conditions and no experimental evidence demonstrating its impact on protein function have been reported. ClinVar contains an entry for this variant (Variation ID: 2950912). Based on the evidence outlined above, the variant was classified as uncertain significance.

NM_004370.6(COL12A1):c.1779G>C (p.Glu593Asp)

Gene: COL12A1 (collagen type XII alpha 1 chain; minus strand). Cytogenetic location: 6q13.
Variant type: single nucleotide variant.
Coding change: c.1779G>C on transcript NM_004370.6 (MANE Select); coding-DNA position 1779, G replaced by C.
Protein change: p.Glu593Asp; replaces glutamic acid 593 with aspartic acid.
Molecular consequence: missense variant. On other transcripts: intron variant (2).
Genome position (GRCh38, 1-based): chr6:75,183,162, C>G on the plus strand (G>C on the coding strand, the complement: COL12A1 is on the minus strand). VCF-style: chr6-75183162-C-G. GRCh37 (hg19) VCF-style: chr6-75892878-C-G.
Other names: c.1779G>C, p.Glu593Asp (NM_001424113.1, NM_001424114.1, NM_001424115.1); c.73+19558G>C (NM_001424116.1, NM_080645.3); short protein forms E593D.
Identifiers: ClinVar variation 2950912 (VCV002950912.4), dbSNP rs776736301, ClinGen allele CA3894135.